The following is an entry in ClinVar:

ClinVar aggregate classification (germline): Benign/Likely benign. Review status: criteria provided, multiple submitters, no conflicts (2 of 4 stars). 6 submissions from 6 submitters: Benign (1); Likely benign (5). Last evaluated 2026-01-06.

Conditions:
SKI-related disorder. Also called: SKI-related condition.
Shprintzen-Goldberg syndrome (SGS). Also called: SHPRINTZEN-GOLDBERG CRANIOSYNOSTOSIS SYNDROME; CRANIOSYNOSTOSIS WITH ARACHNODACTYLY AND ABDOMINAL HERNIAS; Marfanoid disorder with craniosynostosis type 1; Marfanoid craniosynostosis syndrome; Shprintzen-Goldberg marfanoid syndrome. Identifiers: Orphanet 2462, MedGen C1321551, MONDO:0008426, OMIM 182212.
Familial thoracic aortic aneurysm and aortic dissection (TAAD). Also called: Thoracic aortic aneurysms and dissections. Identifiers: Orphanet 91387, MedGen C4707243, MONDO:0019625.

Allele frequency attached by ClinVar (database versions not stated): TOPMed 0.00011; gnomAD 0.00016 and 0.00022; ExAC 0.00029; gnomAD exomes 0.00029 and 0.00034; 1000 Genomes Project 30x 0.00078; 1000 Genomes Project 0.00100.
gnomAD v4.1: 513 of 1,612,418 alleles (0.032%); highest among the groups gnomAD compares: East Asian, 0.74%; 3 homozygotes.

Submissions (6):

Labcorp Genetics (formerly Invitae), Labcorp
Classification: Benign for Shprintzen-Goldberg syndrome. Last evaluated: 2026-01-06. Review status: criteria provided, single submitter. Criteria: Invitae Variant Classification Sherloc (09022015). Collection method: clinical testing. Allele origin: germline.

PreventionGenetics, part of Exact Sciences
Classification: Likely benign for SKI-related condition. Last evaluated: 2025-10-09. Review status: criteria provided, single submitter. Criteria: ACMG Guidelines, 2015. Collection method: clinical testing. Allele origin: germline.
Comment: This variant is classified as likely benign based on ACMG/AMP sequence variant interpretation guidelines (Richards et al. 2015 PMID: 25741868, with internal and published modifications).

Blueprint Genetics
Classification: Likely benign. Last evaluated: 2024-04-22. Review status: criteria provided, single submitter. Criteria: ACMG Guidelines, 2015. Collection method: clinical testing. Allele origin: germline.

GeneDx
Classification: Likely benign. Last evaluated: 2019-05-23. Review status: criteria provided, single submitter. Criteria: GeneDx Variant Classification Process June 2021. Collection method: clinical testing. Allele origin: germline. Affected: yes.

Ambry Genetics
Classification: Likely benign for Familial thoracic aortic aneurysm and aortic dissection. Last evaluated: 2019-03-15. Review status: criteria provided, single submitter. Criteria: Ambry Variant Classification Scheme 2023. Collection method: clinical testing. Allele origin: germline.

Eurofins Ntd Llc (ga)
Classification: Likely benign. Last evaluated: 2016-11-07. Review status: criteria provided, single submitter. Criteria: EGL Classification Definitions 2015. Collection method: clinical testing. Allele origin: germline. Observed: 1 variant allele, 1 heterozygote.

Literature cited by the submitters: PubMed 19112531 (cited by Ambry Genetics).

NM_003036.4(SKI):c.1440G>A (p.Ser480=)

Gene: SKI (SKI proto-oncogene; plus strand). Cytogenetic location: 1p36.32.
Variant type: single nucleotide variant.
Coding change: c.1440G>A on transcript NM_003036.4 (MANE Select); coding-DNA position 1440, G replaced by A.
Protein change: p.Ser480=; no amino-acid change (serine 480 retained).
Molecular consequence: synonymous variant.
Genome position (GRCh38, 1-based): chr1:2,304,068, G>A. VCF-style: chr1-2304068-G-A. GRCh37 (hg19) VCF-style: chr1-2235507-G-A.
Identifiers: ClinVar variation 497316 (VCV000497316.19), dbSNP rs185754530, ClinGen allele CA536714.